The following is an entry in ClinVar:

NM_017654.4(SAMD9):c.3864A>T (p.Glu1288Asp)

Gene: SAMD9 (sterile alpha motif domain containing 9; minus strand). Cytogenetic location: 7q21.2.
Variant type: single nucleotide variant.
Coding change: c.3864A>T on transcript NM_017654.4 (MANE Select); coding-DNA position 3864, A replaced by T.
Protein change: p.Glu1288Asp; replaces glutamic acid 1288 with aspartic acid.
Molecular consequence: missense variant.
Genome position (GRCh38, 1-based): chr7:93,102,234, T>A on the plus strand (A>T on the coding strand, the complement: SAMD9 is on the minus strand). VCF-style: chr7-93102234-T-A. GRCh37 (hg19) VCF-style: chr7-92731547-T-A.
Other names: c.3864A>T, p.Glu1288Asp (NM_001193307.2); short protein forms E1288D.
Identifiers: ClinVar variation 1802018 (VCV001802018.7), dbSNP rs989468116, ClinGen allele CA161989878.

ClinVar aggregate classification (germline): Uncertain significance. Review status: criteria provided, multiple submitters, no conflicts (2 of 4 stars). 4 submissions from 4 submitters: Uncertain significance (4). Last evaluated 2025-12-05.

Conditions:
Inborn genetic diseases. Identifiers: MedGen C0950123, MeSH D030342.

Allele frequency attached by ClinVar (database versions not stated): gnomAD 0.00001; gnomAD exomes 0.00001; TOPMed 0.00001.
gnomAD v4.1: 9 of 1,613,644 alleles (0.00056%); highest among the groups gnomAD compares: Non-Finnish European, 0.00076%; no homozygotes.

Submissions (4):

Labcorp Genetics (formerly Invitae), Labcorp
Classification: Uncertain significance. Last evaluated: 2025-12-05. Review status: criteria provided, single submitter. Criteria: Invitae Variant Classification Sherloc (09022015). Collection method: clinical testing. Allele origin: germline.
Comment: This sequence change replaces glutamic acid, which is acidic and polar, with aspartic acid, which is acidic and polar, at codon 1288 of the SAMD9 protein (p.Glu1288Asp). This variant is not present in population databases (gnomAD no frequency). This variant has not been reported in the literature in individuals affected with SAMD9-related conditions. ClinVar contains an entry for this variant (Variation ID: 1802018). Invitae Evidence Modeling of protein sequence and biophysical properties (such as structural, functional, and spatial information, amino acid conservation, physicochemical variation, residue mobility, and thermodynamic stability) indicates that this missense variant is not expected to disrupt SAMD9 protein function with a negative predictive value of 95%. In summary, the available evidence is currently insufficient to determine the role of this variant in disease. Therefore, it has been classified as a Variant of Uncertain Significance.

Ambry Genetics
Classification: Uncertain significance for Inborn genetic diseases. Last evaluated: 2024-11-28. Review status: criteria provided, single submitter. Criteria: Ambry Variant Classification Scheme 2023. Collection method: clinical testing. Allele origin: germline.
Comment: The p.E1288D variant (also known as c.3864A>T), located in coding exon 1 of the SAMD9 gene, results from an A to T substitution at nucleotide position 3864. The glutamic acid at codon 1288 is replaced by aspartic acid, an amino acid with highly similar properties. This amino acid position is conserved. In addition, this alteration is predicted to be tolerated by in silico analysis. Based on the available evidence, the clinical significance of this variant remains unclear.

Blueprint Genetics
Classification: Uncertain significance. Last evaluated: 2023-07-20. Review status: criteria provided, single submitter. Criteria: ACMG Guidelines, 2015. Collection method: clinical testing. Allele origin: germline.

GeneDx
Classification: Uncertain significance. Last evaluated: 2022-06-01. Review status: criteria provided, single submitter. Criteria: GeneDx Variant Classification Process June 2021. Collection method: clinical testing. Allele origin: germline. Affected: yes.
Comment: Not observed at significant frequency in large population cohorts (gnomAD); In silico analysis supports that this missense variant does not alter protein structure/function; Has not been previously published as pathogenic or benign to our knowledge